The following is an entry in ClinVar:

NM_000133.4(F9):c.1372del (p.Thr458fs)

Gene: F9 (coagulation factor IX; plus strand). Cytogenetic location: Xq27.1.
Variant type: Deletion.
Coding change: c.1372del on transcript NM_000133.4 (MANE Select); coding-DNA position 1372, one base deleted (A; older notation c.1372delA).
Protein change: p.Thr458fs; shifts the reading frame from threonine 458.
Molecular consequence: frameshift variant.
Genome position (GRCh38, 1-based): chrX:139,562,057, A deleted; the last of 6 consecutive A bases (chrX:139,562,052-139,562,057); deleting any one gives the same sequence. VCF-style (leftmost placement, unchanged base first): chrX-139562051-GA-G. GRCh37 (hg19) VCF-style: chrX-138644210-GA-G.
Other names: c.1372delA (NM_000133.4); c.1258del, p.Thr420fs (NM_001313913.2); short protein forms T420fs, T458fs.
Identifiers: ClinVar variation 3339010 (VCV003339010.1).
Genomic context (GRCh38, chrX:139,562,051, plus strand): 5'-GCAATGAAAGGCAAATATGGAATATATACCAAGGTATCCCGGTATGTCAACTGGATTAAG[GA>G]AAAAACAAAGCTCACTTAATGAAAGATGGATTTCCAAGGTTAATTCATTGGAATTGAAAA-3'

ClinVar aggregate classification (germline): Likely pathogenic (1 of 4 stars; one submission).

Conditions:
Hereditary factor IX deficiency disease (HEMB). Also called: F9 DEFICIENCY; FACTOR IX DEFICIENCY; PLASMA THROMBOPLASTIN COMPONENT DEFICIENCY; Hemophilia B; Christmas Disease. Identifiers: Orphanet 98879, MedGen C0008533, MeSH D002836, MONDO:0010604, OMIM 306900.

Submission:

Women's Health and Genetics/Laboratory Corporation of America, LabCorp
Classification: Likely pathogenic for Hereditary factor IX deficiency disease. Last evaluated: 2024-07-09. Review status: criteria provided, single submitter. Criteria: LabCorp Variant Classification Summary - May 2015. Collection method: clinical testing. Allele origin: germline.
Comment: Variant summary: F9 c.1372delA (p.Thr458GlnfsX25) causes a frameshift which results in an extension of the protein. The variant was absent in 182210 control chromosomes (gnomAD). The variant, c.1372delA, has been reported in the literature in individuals affected with severe Factor IX Deficiency (Hemophilia B), including a de novo occurrence (e.g. Thompson_1994, Belvini_2005). These data indicate that the variant may be associated with disease. To our knowledge, no experimental evidence demonstrating an impact on protein function has been reported. The following publications have been ascertained in the context of this evaluation (PMID: 8076948, 15921378). No submitters have cited clinical-significance assessments for this variant to ClinVar. Based on the evidence outlined above, the variant was classified as likely pathogenic.

Literature cited by the submitters: PubMed 15921378; PubMed 8076948.